The following is an entry in ClinVar:

ClinVar aggregate classification (germline): Likely benign. Review status: criteria provided, multiple submitters, no conflicts (2 of 4 stars). 4 submissions from 4 submitters: Likely benign (4). Last evaluated 2025-12-13.

Conditions:
Cardiovascular phenotype. Identifiers: MedGen CN230736.
Catecholaminergic polymorphic ventricular tachycardia (CVPT). Also called: Catecholamine-induced polymorphic ventricular tachycardia. Identifiers: Orphanet 3286, MedGen C5574922, MONDO:0017990.
Cardiomyopathy (CMYO). Also called: Cardiomyopathies. Identifiers: Orphanet 167848, MedGen C0878544, MONDO:0004994, HP:0001638. Inheritance: Various modes of inheritance.
Catecholaminergic polymorphic ventricular tachycardia 1. Also called: VENTRICULAR TACHYCARDIA, CATECHOLAMINERGIC POLYMORPHIC, 1, WITH OR WITHOUT ATRIAL DYSFUNCTION AND/OR DILATED CARDIOMYOPATHY; RYR2-Related Catecholaminergic Polymorphic Ventricular Tachycardia; VENTRICULAR TACHYCARDIA, STRESS-INDUCED POLYMORPHIC 1. Identifiers: Orphanet 3286, MedGen C1631597, MONDO:0011484, OMIM 604772.

Allele frequency attached by ClinVar (database versions not stated): gnomAD exomes below 0.00001; TOPMed below 0.00001; ExAC 0.00001.

Submissions (4):

Labcorp Genetics (formerly Invitae), Labcorp
Classification: Likely benign for Catecholaminergic polymorphic ventricular tachycardia 1. Last evaluated: 2025-12-13. Review status: criteria provided, single submitter. Criteria: Invitae Variant Classification Sherloc (09022015). Collection method: clinical testing. Allele origin: germline.

All of Us Research Program, National Institutes of Health
Classification: Likely benign for Catecholaminergic polymorphic ventricular tachycardia. Last evaluated: 2024-09-23. Review status: criteria provided, single submitter. Criteria: ACMG Guidelines, 2015. Collection method: clinical testing. Allele origin: germline. Inheritance: Autosomal dominant inheritance. Observed: 1 variant allele, 1 heterozygote.
Comment: This study involves interpretation of variants in research participants for the purpose of population health screening. Participant phenotype was not available at the time of variant classification. Additional details can be found in publication PMID: 35346344, PMCID: PMC8962531

Ambry Genetics
Classification: Likely benign for Cardiovascular phenotype. Last evaluated: 2022-07-10. Review status: criteria provided, single submitter. Criteria: Ambry Variant Classification Scheme 2023. Collection method: clinical testing. Allele origin: germline.

Color Diagnostics, LLC DBA Color Health
Classification: Likely benign for Cardiomyopathy. Last evaluated: 2018-12-04. Review status: criteria provided, single submitter. Criteria: ACMG Guidelines, 2015. Collection method: clinical testing. Allele origin: germline.

NM_001035.3(RYR2):c.8898C>T (p.Val2966=)

Gene: RYR2 (ryanodine receptor 2; plus strand). Cytogenetic location: 1q43.
Variant type: single nucleotide variant.
Coding change: c.8898C>T on transcript NM_001035.3 (MANE Select); coding-DNA position 8898, C replaced by T.
Protein change: p.Val2966=; no amino-acid change (valine 2966 retained).
Molecular consequence: synonymous variant.
Genome position (GRCh38, 1-based): chr1:237,680,458, C>T. VCF-style: chr1-237680458-C-T. GRCh37 (hg19) VCF-style: chr1-237843758-C-T.
Other names: c.8898C>T (NM_001035.2).
Identifiers: ClinVar variation 923257 (VCV000923257.14), dbSNP rs766514100, ClinGen allele CA087784.
Genomic context (GRCh38, chr1:237,680,458, plus strand): 5'-CCATTCATCCCCTGAAAGATTCCACTACGTAGATCTGTCTTCTTTTCCTTTCTTTCAGGT[C>T]GTTCTTCCTTTAATTGATCAGTATTTCAAAAACCATCGTTTATACTTCTTATCTGCAGCA-3'
Protein context (NP_001026.2, residues 2956-2976): YEQEIKFFAK[Val2966=]VLPLIDQYFK